The following is an entry in ClinVar:

ClinVar aggregate classification (germline): Uncertain significance. Review status: criteria provided, multiple submitters, no conflicts (2 of 4 stars). 2 submissions from 2 submitters: Uncertain significance (2). Last evaluated 2026-06-09.

Conditions:
ABCB4-related disorder. Also called: ABCB4-related disorders; ABCB4-related condition.
Familial intrahepatic cholestasis. Identifiers: Orphanet 284385, MedGen CN296401, MONDO:0017290.

gnomAD v4.1: 24 of 1,613,888 alleles (0.0015%); highest among the groups gnomAD compares: South Asian, 0.0044%; no homozygotes.

Submissions (2):

PreventionGenetics, part of Exact Sciences
Classification: Uncertain significance for ABCB4-related condition. Last evaluated: 2026-06-09. Review status: criteria provided, single submitter. Criteria: ACMG Guidelines, 2015. Collection method: clinical testing. Allele origin: germline.
Comment: The ABCB4 c.2210C>T variant is predicted to result in the amino acid substitution p.Ala737Val. This variant has been reported in the compound heterozygous state in an individual with progressive familial intrahepatic cholestasis type 3 (PFIC3, Degiorgio et al. 2007. PubMed ID: 17726488), has been noted in an individual with intrahepatic cholestasis (Supplemental Tables, Cao et al. 2020. PubMed ID: 32355288), and in an individual with intrahepatic cholestasis of pregnancy (ICP, Bacq et al. 2017. PubMed ID: 27825922). A functional study showed that this variant decreased transport activity (Park et al. 2016. PubMed ID: 27256251). This variant is reported in 0.0085% of alleles in individuals of Latino descent in gnomAD. At this time, the clinical significance of this variant is uncertain due to the absence of conclusive functional and genetic evidence.

Genomenon, Inc
Classification: Uncertain significance for Familial intrahepatic cholestasis. Last evaluated: 2026-04-14. Review status: criteria provided, single submitter. Criteria: Genomenon Sequence Variant Interpretation Standards - Updated. Collection method: curation. Allele origin: germline. Affected: yes.
Comment: ABCB4 p.Ala737Val (c.2210C>T) is a missense variant that changes the amino acid at residue 737 from Alanine to Valine. This variant has been observed in at least one proband with an ABCB4-related disorder (PMID:27825922;21119540). Functional studies have been reported (PMID:27256251). It is absent or not present at a significant frequency in gnomAD. In conclusion, we classify ABCB4 p.Ala737Val (c.2210C>T) as a variant of uncertain significance.

Literature cited by the submitters: PubMed 27825922 (cited by Genomenon, Inc); PubMed 21119540 (cited by Genomenon, Inc); PubMed 27256251 (cited by Genomenon, Inc).

NM_000443.4(ABCB4):c.2210C>T (p.Ala737Val)

Gene: ABCB4 (ATP binding cassette subfamily B member 4; minus strand). Cytogenetic location: 7q21.12.
Variant type: single nucleotide variant.
Coding change: c.2210C>T on transcript NM_000443.4 (MANE Select); coding-DNA position 2210, C replaced by T.
Protein change: p.Ala737Val; replaces alanine 737 with valine.
Molecular consequence: missense variant.
Genome position (GRCh38, 1-based): chr7:87,423,907, G>A on the plus strand (C>T on the coding strand, the complement: ABCB4 is on the minus strand). VCF-style: chr7-87423907-G-A. GRCh37 (hg19) VCF-style: chr7-87053223-G-A.
Other names: c.2210C>T, p.Ala737Val (NM_018849.3, NM_018850.3); c.2210C>T (NM_000443.3); short protein forms A737V.
Identifiers: ClinVar variation 4846403 (VCV004846403.2).